The following is an entry in ClinVar:

ClinVar aggregate classification (germline): Uncertain significance (1 of 4 stars; one submission).

Conditions:
Immunodeficiency 51 (IMD51). Also called: CANDIDIASIS, FAMILIAL, 5. Identifiers: Orphanet 1334, MedGen C4310803, MONDO:0013500, OMIM 613953.

gnomAD v4.1: 2 of 1,607,646 alleles (0.00012%); highest among the groups gnomAD compares: South Asian, 0.0011%; no homozygotes.

Submission:

Labcorp Genetics (formerly Invitae), Labcorp
Classification: Uncertain significance for Immunodeficiency 51. Last evaluated: 2026-01-05. Review status: criteria provided, single submitter. Criteria: Invitae Variant Classification Sherloc (09022015). Collection method: clinical testing. Allele origin: germline.
Comment: This sequence change replaces serine, which is neutral and polar, with asparagine, which is neutral and polar, at codon 759 of the IL17RA protein (p.Ser759Asn). This variant is not present in population databases (gnomAD no frequency). This variant has not been reported in the literature in individuals affected with IL17RA-related conditions. ClinVar contains an entry for this variant (Variation ID: 2098425). An algorithm developed to predict the effect of missense changes on protein structure and function outputs the following: PolyPhen-2: "Possibly Damaging". The asparagine amino acid residue is found in multiple mammalian species, which suggests that this missense change does not adversely affect protein function. In summary, the available evidence is currently insufficient to determine the role of this variant in disease. Therefore, it has been classified as a Variant of Uncertain Significance.

NM_014339.7(IL17RA):c.2276G>A (p.Ser759Asn)

Gene: IL17RA (interleukin 17 receptor A; plus strand). Cytogenetic location: 22q11.1.
Variant type: single nucleotide variant.
Coding change: c.2276G>A on transcript NM_014339.7 (MANE Select); coding-DNA position 2276, G replaced by A.
Protein change: p.Ser759Asn; replaces serine 759 with asparagine.
Molecular consequence: missense variant.
Genome position (GRCh38, 1-based): chr22:17,109,495, G>A. VCF-style: chr22-17109495-G-A. GRCh37 (hg19) VCF-style: chr22-17590385-G-A.
Other names: c.2174G>A, p.Ser725Asn (NM_001289905.2); short protein forms S725N, S759N.
Identifiers: ClinVar variation 2098425 (VCV002098425.4), dbSNP rs1348611201, ClinGen allele CA410221609.